The following is an entry in ClinVar:

NM_001329943.3(KIAA0586):c.3031G>A (p.Glu1011Lys)

Gene: KIAA0586 (KIAA0586; plus strand). Cytogenetic location: 14q23.1.
Variant type: single nucleotide variant.
Coding change: c.3031G>A on transcript NM_001329943.3 (MANE Select); coding-DNA position 3031, G replaced by A.
Protein change: p.Glu1011Lys; replaces glutamic acid 1011 with lysine.
Molecular consequence: missense variant.
Genome position (GRCh38, 1-based): chr14:58,482,599, G>A. VCF-style: chr14-58482599-G-A. GRCh37 (hg19) VCF-style: chr14-58949317-G-A.
Other names: c.3190G>A, p.Glu1064Lys (NM_001244189.2); c.2986G>A, p.Glu996Lys (NM_001244190.2); c.2776G>A, p.Glu926Lys (NM_001244191.2, NM_001329945.2, NM_001364700.1 and 1 more transcripts); c.2899G>A, p.Glu967Lys (NM_001244192.2); c.2611G>A, p.Glu871Lys (NM_001244193.2); c.3031G>A, p.Glu1011Lys (NM_001329944.2, NM_001329946.2, NM_001329947.2); c.2803G>A, p.Glu935Lys (NM_014749.5); c.2803G>A (NM_014749.3); short protein forms E926K, E996K, E1064K, E935K, E967K, E1011K, E871K.
Identifiers: ClinVar variation 1358053 (VCV001358053.5), dbSNP rs755889131, ClinGen allele CA261644945.
Genomic context (GRCh38, chr14:58,482,599, plus strand): 5'-CAGCTTTTTGTTGATGCTGGTGTTCCTGTGAACTCAAATGTGATTAAACATTTTGTTAAC[G>A]AAGCTCTTGCTGAGACCATTGCTGTCATGCTGGGTGACAGAGAAGCAAAGAAGCAAGGTC-3'
Protein context (NP_001316872.1, residues 1001-1021): NSNVIKHFVN[Glu1011Lys]ALAETIAVML

ClinVar aggregate classification (germline): Uncertain significance. Review status: criteria provided, multiple submitters, no conflicts (2 of 4 stars). 2 submissions from 2 submitters: Uncertain significance (2). Last evaluated 2024-05-15.

Conditions:
Inborn genetic diseases. Identifiers: MedGen C0950123, MeSH D030342.
Short-rib thoracic dysplasia 14 with polydactyly (SRTD14). Identifiers: Orphanet 397715, MedGen C4225286, MONDO:0014688, OMIM 616546.
Joubert syndrome 23 (JBTS23). Identifiers: Orphanet 475, MedGen C4084822, MONDO:0014664, OMIM 616490.

Allele frequency attached by ClinVar (database versions not stated): gnomAD exomes below 0.00001 and 0.00001; gnomAD 0.00005 and 0.00006; TOPMed 0.00006.
gnomAD v4.1: 28 of 1,605,398 alleles (0.0017%); highest among the groups gnomAD compares: African/African-American, 0.013%; no homozygotes.

Submissions (2):

Labcorp Genetics (formerly Invitae), Labcorp
Classification: Uncertain significance for Joubert syndrome 23; Short-rib thoracic dysplasia 14 with polydactyly. Last evaluated: 2024-05-15. Review status: criteria provided, single submitter. Criteria: Invitae Variant Classification Sherloc (09022015). Collection method: clinical testing. Allele origin: germline.
Comment: This sequence change replaces glutamic acid, which is acidic and polar, with lysine, which is basic and polar, at codon 1064 of the KIAA0586 protein (p.Glu1064Lys). This variant is present in population databases (rs755889131, gnomAD 0.01%). This variant has not been reported in the literature in individuals affected with KIAA0586-related conditions. ClinVar contains an entry for this variant (Variation ID: 1358053). Advanced modeling of protein sequence and biophysical properties (such as structural, functional, and spatial information, amino acid conservation, physicochemical variation, residue mobility, and thermodynamic stability) performed at Invitae indicates that this missense variant is expected to disrupt KIAA0586 protein function with a positive predictive value of 80%. In summary, the available evidence is currently insufficient to determine the role of this variant in disease. Therefore, it has been classified as a Variant of Uncertain Significance.

Ambry Genetics
Classification: Uncertain significance for Inborn genetic diseases. Last evaluated: 2021-05-10. Review status: criteria provided, single submitter. Criteria: Ambry Variant Classification Scheme 2023. Collection method: clinical testing. Allele origin: germline.